The following is an entry in ClinVar:

ClinVar aggregate classification (germline): Uncertain significance (1 of 4 stars; one submission).

Conditions:
Tuberous sclerosis 1 (TSC1). Identifiers: Orphanet 805, MedGen C1854465, MONDO:0008612, OMIM 191100.

Submission:

Labcorp Genetics (formerly Invitae), Labcorp
Classification: Uncertain significance for Tuberous sclerosis 1. Last evaluated: 2025-11-16. Review status: criteria provided, single submitter. Criteria: Invitae Variant Classification Sherloc (09022015). Collection method: clinical testing. Allele origin: germline.
Comment: This sequence change replaces valine, which is neutral and non-polar, with alanine, which is neutral and non-polar, at codon 895 of the TSC1 protein (p.Val895Ala). This variant is not present in population databases (gnomAD no frequency). This variant has not been reported in the literature in individuals affected with TSC1-related conditions. ClinVar contains an entry for this variant (Variation ID: 963777). Invitae Evidence Modeling of protein sequence and biophysical properties (such as structural, functional, and spatial information, amino acid conservation, physicochemical variation, residue mobility, and thermodynamic stability) indicates that this missense variant is not expected to disrupt TSC1 protein function with a negative predictive value of 95%. In summary, the available evidence is currently insufficient to determine the role of this variant in disease. Therefore, it has been classified as a Variant of Uncertain Significance.

NM_000368.5(TSC1):c.2684T>C (p.Val895Ala)

Gene: TSC1 (TSC complex subunit 1; minus strand). Cytogenetic location: 9q34.13.
Variant type: single nucleotide variant.
Coding change: c.2684T>C on transcript NM_000368.5 (MANE Select); coding-DNA position 2684, T replaced by C.
Protein change: p.Val895Ala; replaces valine 895 with alanine.
Molecular consequence: missense variant.
Genome position (GRCh38, 1-based): chr9:132,897,552, A>G on the plus strand (T>C on the coding strand, the complement: TSC1 is on the minus strand). VCF-style: chr9-132897552-A-G. GRCh37 (hg19) VCF-style: chr9-135772939-A-G.
Other names: c.2681T>C, p.Val894Ala (NM_001162426.2); c.2531T>C, p.Val844Ala (NM_001162427.2); c.2321T>C, p.Val774Ala (NM_001362177.2); short protein forms V774A, V895A, V894A, V844A.
Identifiers: ClinVar variation 963777 (VCV000963777.9), dbSNP rs1845148114, ClinGen allele CA375369483.